The following is an entry in ClinVar:

ClinVar aggregate classification (germline): Uncertain significance (1 of 4 stars; one submission).

Conditions:
Hereditary cancer-predisposing syndrome. Also called: Neoplastic Syndromes, Hereditary; Tumor predisposition; Hereditary Cancer Syndrome; Hereditary neoplastic syndrome. Identifiers: Orphanet 140162, MedGen C0027672, MeSH D009386, MONDO:0015356.

Submission:

Ambry Genetics
Classification: Uncertain significance for Hereditary cancer-predisposing syndrome. Last evaluated: 2022-05-26. Review status: criteria provided, single submitter. Criteria: Ambry Variant Classification Scheme 2023. Collection method: clinical testing. Allele origin: germline.
Comment: The p.G625E variant (also known as c.1874G>A), located in coding exon 11 of the SMARCA4 gene, results from a G to A substitution at nucleotide position 1874. The glycine at codon 625 is replaced by glutamic acid, an amino acid with similar properties. This amino acid position is highly conserved in available vertebrate species. In addition, this alteration is predicted to be deleterious by in silico analysis. Missense and in-frame variants in SMARCA4 are known to cause neurodevelopmental disorders; however, such associations with rhabdoid tumor predisposition syndrome including small cell carcinoma of the ovary-hypercalcemic type (SCCOHT) are exceedingly rare (Kosho T et al. Am J Med Genet C Semin Med Genet. 2014 Sep;166C(3):262-75; Jelinic P et al. Nat Genet. 2014 May;46(5):424-6). Since supporting evidence is limited at this time, the clinical significance of this alteration remains unclear.

NM_003072.5(SMARCA4):c.1874G>A (p.Gly625Glu)

Gene: SMARCA4 (SWI/SNF related BAF chromatin remodeling complex subunit ATPase 4; plus strand). Cytogenetic location: 19p13.2.
Variant type: single nucleotide variant.
Coding change: c.1874G>A on transcript NM_003072.5 (MANE Select); coding-DNA position 1874, G replaced by A.
Protein change: p.Gly625Glu; replaces glycine 625 with glutamic acid.
Molecular consequence: missense variant. On other transcripts: non-coding transcript variant (1).
Genome position (GRCh38, 1-based): chr19:11,003,090, G>A. VCF-style: chr19-11003090-G-A. GRCh37 (hg19) VCF-style: chr19-11113766-G-A.
Other names: c.1874G>A, p.Gly625Glu (NM_001128844.3, NM_001128845.2, NM_001128846.2 and 6 more transcripts); short protein forms G625E.
Identifiers: ClinVar variation 1781750 (VCV001781750.2), dbSNP rs2146096627, ClinGen allele CA404051541.
Genomic context (GRCh38, chr19:11,003,090, plus strand): 5'-CTCTGGACGAGACCAGCCAGATGAGCGACCTCCCGGTGAAGGTGATCCACGTGGAGAGTG[G>A]GAAGATCCTCACAGGCACAGATGCCCCCAAAGCCGGGCAGCTGGAGGCCTGGCTCGAGAT-3'
Protein context (NP_003063.2, residues 615-635): LPVKVIHVES[Gly625Glu]KILTGTDAPK